The following is an entry in ClinVar:

ClinVar aggregate classification (germline): Uncertain significance. Review status: criteria provided, multiple submitters, no conflicts (2 of 4 stars). 2 submissions from 2 submitters: Uncertain significance (2). Last evaluated 2025-07-15.

Conditions:
Inborn genetic diseases. Identifiers: MedGen C0950123, MeSH D030342.
Amyotrophic lateral sclerosis type 1 (ALS1). Also called: AMYOTROPHIC LATERAL SCLEROSIS 1, FAMILIAL. Identifiers: Orphanet 803, MedGen C1862939, MONDO:0007103, OMIM 105400.
Neuronopathy, distal hereditary motor, type 7B. Also called: NEURONOPATHY, DISTAL HEREDITARY MOTOR, AUTOSOMAL DOMINANT 14; NEURONOPATHY, DISTAL HEREDITARY MOTOR, HARDING TYPE VIIB; NEUROPATHY, DISTAL HEREDITARY MOTOR, HARDING TYPE VIIB; NEUROPATHY, DISTAL HEREDITARY MOTOR, WITH VOCAL CORD PARALYSIS, HARDING TYPE VIIB; Distal Hereditary Motor Neuronopathy Type 7B (dHMN7B); HMN VIIB. Identifiers: Orphanet 139589, MedGen C1843315, MONDO:0011879, OMIM 607641.
Perry syndrome. Also called: PARKINSONISM WITH ALVEOLAR HYPOVENTILATION AND MENTAL DEPRESSION. Identifiers: Orphanet 178509, MedGen C1868594, MONDO:0008201, OMIM 168605.

Allele frequency attached by ClinVar (database versions not stated): TOPMed below 0.00001; gnomAD 0.00001; gnomAD exomes 0.00001.
gnomAD v4.1: 20 of 1,607,608 alleles (0.0012%); highest among the groups gnomAD compares: East Asian, 0.0045%; no homozygotes.

Submissions (2):

Labcorp Genetics (formerly Invitae), Labcorp
Classification: Uncertain significance for Amyotrophic lateral sclerosis type 1; Neuronopathy, distal hereditary motor, type 7B; Perry syndrome. Last evaluated: 2025-07-15. Review status: criteria provided, single submitter. Criteria: Invitae Variant Classification Sherloc (09022015). Collection method: clinical testing. Allele origin: germline.
Comment: This sequence change replaces threonine, which is neutral and polar, with methionine, which is neutral and non-polar, at codon 153 of the DCTN1 protein (p.Thr153Met). The frequency data for this variant in the population databases is considered unreliable, as metrics indicate poor data quality at this position in the gnomAD database. This variant has not been reported in the literature in individuals affected with DCTN1-related conditions. ClinVar contains an entry for this variant (Variation ID: 648872). Invitae Evidence Modeling of protein sequence and biophysical properties (such as structural, functional, and spatial information, amino acid conservation, physicochemical variation, residue mobility, and thermodynamic stability) indicates that this missense variant is not expected to disrupt DCTN1 protein function with a negative predictive value of 95%. In summary, the available evidence is currently insufficient to determine the role of this variant in disease. Therefore, it has been classified as a Variant of Uncertain Significance.

Ambry Genetics
Classification: Uncertain significance for Inborn genetic diseases. Last evaluated: 2023-11-13. Review status: criteria provided, single submitter. Criteria: Ambry Variant Classification Scheme 2023. Collection method: clinical testing. Allele origin: germline.

NM_004082.5(DCTN1):c.458C>T (p.Thr153Met)

Gene: DCTN1 (dynactin subunit 1; minus strand). Cytogenetic location: 2p13.1.
Variant type: single nucleotide variant.
Coding change: c.458C>T on transcript NM_004082.5 (MANE Select); coding-DNA position 458, C replaced by T.
Protein change: p.Thr153Met; replaces threonine 153 with methionine.
Molecular consequence: missense variant. On other transcripts: non-coding transcript variant (1).
Genome position (GRCh38, 1-based): chr2:74,371,724, G>A on the plus strand (C>T on the coding strand, the complement: DCTN1 is on the minus strand). VCF-style: chr2-74371724-G-A. GRCh37 (hg19) VCF-style: chr2-74598851-G-A.
Other names: c.398C>T, p.Thr133Met (NM_001135040.3); c.56C>T, p.Thr19Met (NM_001135041.3, NM_023019.4); c.347C>T, p.Thr116Met (NM_001190836.2); c.437C>T, p.Thr146Met (NM_001190837.2); c.407C>T, p.Thr136Met (NM_001378991.1); c.389C>T, p.Thr130Met (NM_001378992.1); short protein forms T133M, T146M, T116M, T153M, T19M, T130M, T136M.
Identifiers: ClinVar variation 648872 (VCV000648872.12), dbSNP rs1052858105, ClinGen allele CA50477587.